The following is an entry in ClinVar:

NM_020987.5(ANK3):c.8789A>G (p.Tyr2930Cys)

Gene: ANK3 (ankyrin 3; minus strand). Cytogenetic location: 10q21.2.
Variant type: single nucleotide variant.
Coding change: c.8789A>G on transcript NM_020987.5 (MANE Select); coding-DNA position 8789, A replaced by G.
Protein change: p.Tyr2930Cys; replaces tyrosine 2930 with cysteine.
Molecular consequence: missense variant. On other transcripts: intron variant (4).
Genome position (GRCh38, 1-based): chr10:60,072,092, T>C on the plus strand (A>G on the coding strand, the complement: ANK3 is on the minus strand). VCF-style: chr10-60072092-T-C. GRCh37 (hg19) VCF-style: chr10-61831850-T-C.
Other names: c.4388-4083A>G (NM_001204403.2); c.4409-4083A>G (NM_001204404.2); c.4406-4083A>G (NM_001320874.2); c.1808-4083A>G (NM_001149.4); short protein forms Y2930C.
Identifiers: ClinVar variation 3628262 (VCV003628262.2).

ClinVar aggregate classification (germline): Uncertain significance (1 of 4 stars; one submission).

gnomAD v4.1: 30 of 1,614,066 alleles (0.0019%); highest among the groups gnomAD compares: Middle Eastern, 0.033%; no homozygotes.

Submission:

Labcorp Genetics (formerly Invitae), Labcorp
Classification: Uncertain significance. Last evaluated: 2024-11-03. Review status: criteria provided, single submitter. Criteria: Invitae Variant Classification Sherloc (09022015). Collection method: clinical testing. Allele origin: germline.
Comment: This sequence change replaces tyrosine, which is neutral and polar, with cysteine, which is neutral and slightly polar, at codon 2930 of the ANK3 protein (p.Tyr2930Cys). This variant is present in population databases (rs772221749, gnomAD 0.002%). This variant has not been reported in the literature in individuals affected with ANK3-related conditions. Invitae Evidence Modeling of protein sequence and biophysical properties (such as structural, functional, and spatial information, amino acid conservation, physicochemical variation, residue mobility, and thermodynamic stability) indicates that this missense variant is not expected to disrupt ANK3 protein function with a negative predictive value of 80%. In summary, the available evidence is currently insufficient to determine the role of this variant in disease. Therefore, it has been classified as a Variant of Uncertain Significance.